The following is an entry in ClinVar:

ClinVar aggregate classification (germline): Uncertain significance (1 of 4 stars; one submission).

Conditions:
Amyotrophic lateral sclerosis (ALS). Also called: Charcot disease; Lou Gehrig disease. Identifiers: Orphanet 803, MedGen C0002736, MONDO:0004976, HP:0007354.

Allele frequency attached by ClinVar (database versions not stated): TOPMed below 0.00001.
gnomAD v4.1: 17 of 1,485,384 alleles (0.0011%); highest among the groups gnomAD compares: Non-Finnish European, 0.0015%; no homozygotes.

Submission:

UM ALS/MND Lab, University Of Malta
Classification: Uncertain significance for Amyotrophic lateral sclerosis. Last evaluated: 2020-09-09. Review status: criteria provided, single submitter. Criteria: ACMG Guidelines, 2015. Collection method: case-control. Allele origin: unknown. Affected: yes. Observed: 1 variant allele.
Comment: Single heterozygote

NM_001393704.1(MOBP):c.514C>A (p.Arg172Ser)

Gene: MOBP (myelin associated oligodendrocyte basic protein; plus strand). Cytogenetic location: 3p22.1.
Variant type: single nucleotide variant.
Coding change: c.514C>A on transcript NM_001393704.1 (MANE Select); coding-DNA position 514, C replaced by A.
Protein change: p.Arg172Ser; replaces arginine 172 with serine.
Molecular consequence: missense variant. On other transcripts: non-coding transcript variant (2), intron variant (1).
Genome position (GRCh38, 1-based): chr3:39,502,842, C>A. VCF-style: chr3-39502842-C-A. GRCh37 (hg19) VCF-style: chr3-39544333-C-A.
Other names: c.586C>A, p.Arg196Ser (NM_001278322.2); c.514C>A, p.Arg172Ser (NM_001278323.2); c.206+567C>A (NM_182935.4); short protein forms R172S, R196S.
Identifiers: ClinVar variation 981023 (VCV000981023.3), dbSNP rs1188260744, ClinGen allele CA352323409.